The following is an entry in ClinVar:

ClinVar aggregate classification (germline): Benign (1 of 4 stars; one submission).

Conditions:
Polyps, multiple and recurrent inflammatory fibroid, gastrointestinal. Identifiers: MedGen C5193005, MONDO:0008285, OMIM 175510.

Submission:

Myriad Genetics, Inc.
Classification: Benign for Polyps, multiple and recurrent inflammatory fibroid, gastrointestinal. Last evaluated: 2026-06-17. Review status: criteria provided, single submitter. Criteria: Myriad Autosomal Dominant, Autosomal Recessive and X-Linked Classification Criteria (2023). Collection method: clinical testing. Allele origin: unknown.
Comment: This variant is considered benign. This variant is a silent/synonymous amino acid change and it is not expected to impact splicing.

NM_006206.6(PDGFRA):c.2469_2472delinsTGTT (p.Asn823_Val824=)

Gene: PDGFRA (platelet derived growth factor receptor alpha; plus strand). Cytogenetic location: 4q12.
Variant type: Indel.
Coding change: c.2469_2472delinsTGTT on transcript NM_006206.6 (MANE Select); coding-DNA positions 2469 to 2472, CGTC replaced by TGTT.
Protein change: p.Asn823_Val824=.
Molecular consequence: synonymous variant.
Genome position (GRCh38, 1-based): chr4:54,285,870-54,285,873, CGTC replaced by TGTT. VCF-style: chr4-54285870-CGTC-TGTT. GRCh37 (hg19) VCF-style: chr4-55152037-CGTC-TGTT.
Other names: c.2544_2547delinsTGTT, p.Asn848_Val849= (NM_001347828.2); c.2469_2472delinsTGTT, p.Asn823_Val824= (NM_001347829.2); c.2508_2511delinsTGTT, p.Asn836_Val837= (NM_001347830.2).
Identifiers: ClinVar variation 4875847 (VCV004875847.1).